The following is an entry in ClinVar:

NM_012471.3(TRPC5):c.697G>A (p.Val233Met)

Gene: TRPC5 (transient receptor potential cation channel subfamily C member 5; minus strand). Cytogenetic location: Xq23.
Variant type: single nucleotide variant.
Coding change: c.697G>A on transcript NM_012471.3 (MANE Select); coding-DNA position 697, G replaced by A.
Protein change: p.Val233Met; replaces valine 233 with methionine.
Molecular consequence: missense variant.
Genome position (GRCh38, 1-based): chrX:111,912,494, C>T on the plus strand (G>A on the coding strand, the complement: TRPC5 is on the minus strand). VCF-style: chrX-111912494-C-T. GRCh37 (hg19) VCF-style: chrX-111155722-C-T.
Other names: short protein forms V233M.
Identifiers: ClinVar variation 2242542 (VCV002242542.5), dbSNP rs145338486, ClinGen allele CA10494391.
Genomic context (GRCh38, chrX:111,912,494, plus strand): 5'-TGGCAAAGAGCTTGCACTGCTGAGAGAGCTCCTCATACTCGGCCTTGAACTCATTCTCCA[C>T]CTTGCTGAGCTCCTTGAGCTCCCAGCCCAGACGGAAGGCAGTTAGGATGGGGTCCTCACT-3'
Protein context (NP_036603.1, residues 223-243): LGWELKELSK[Val233Met]ENEFKAEYEE

ClinVar aggregate classification (germline): Uncertain significance. Review status: criteria provided, single submitter (1 of 4 stars). 2 submissions from 2 submitters: Uncertain significance (1). 1 of the submissions does not count toward it. Last evaluated 2025-05-05.

Conditions:
TRPC5-related disorder. Also called: TRPC5-related condition.

Allele frequency attached by ClinVar (database versions not stated): ESP Exome Variant Server 0.00028; ExAC 0.00014.
gnomAD v4.1: 243 of 1,209,724 alleles (0.02%); highest among the groups gnomAD compares: Non-Finnish European, 0.027%; no homozygotes.

Submissions (2):

Ambry Genetics
Classification: Uncertain significance. Last evaluated: 2025-05-05. Review status: criteria provided, single submitter. Criteria: Ambry Variant Classification Scheme 2023. Collection method: clinical testing. Allele origin: germline.

PreventionGenetics, part of Exact Sciences
Classification: Likely benign for TRPC5-related condition. Last evaluated: 2021-09-10. Review status: no assertion criteria provided. Collection method: clinical testing. Allele origin: germline. Not counted in ClinVar's aggregate classification.
Comment: This variant is classified as likely benign based on ACMG/AMP sequence variant interpretation guidelines (Richards et al. 2015 PMID: 25741868, with internal and published modifications).